The following is an entry in ClinVar:

ClinVar aggregate classification (germline): Benign/Likely benign. Review status: criteria provided, multiple submitters, no conflicts (2 of 4 stars). 3 submissions from 3 submitters: Benign (1); Likely benign (2). Last evaluated 2026-06-30.

Conditions:
Sessile serrated polyposis cancer syndrome (SSPCS). Identifiers: Orphanet 157798, MedGen C4310714, MONDO:0014919, OMIM 617108.

Allele frequency attached by ClinVar (database versions not stated): TOPMed 0.00001.

Submissions (3):

Myriad Genetics, Inc.
Classification: Benign for Sessile serrated polyposis cancer syndrome. Last evaluated: 2026-06-30. Review status: criteria provided, single submitter. Criteria: Myriad Autosomal Dominant, Autosomal Recessive and X-Linked Classification Criteria (2023). Collection method: clinical testing. Allele origin: unknown.
Comment: This variant is considered benign. This variant is a silent/synonymous amino acid change and it is not expected to impact splicing.

Ambry Genetics
Classification: Likely benign. Last evaluated: 2025-07-19. Review status: criteria provided, single submitter. Criteria: Ambry Variant Classification Scheme 2023. Collection method: clinical testing. Allele origin: germline.

Labcorp Genetics (formerly Invitae), Labcorp
Classification: Likely benign. Last evaluated: 2022-07-11. Review status: criteria provided, single submitter. Criteria: Invitae Variant Classification Sherloc (09022015). Collection method: clinical testing. Allele origin: germline.

NM_017763.6(RNF43):c.663G>A (p.Arg221=)

Gene: RNF43 (ring finger protein 43; minus strand). Cytogenetic location: 17q22.
Variant type: single nucleotide variant.
Coding change: c.663G>A on transcript NM_017763.6 (MANE Select); coding-DNA position 663, G replaced by A.
Protein change: p.Arg221=; no amino-acid change (arginine 221 retained).
Molecular consequence: synonymous variant.
Genome position (GRCh38, 1-based): chr17:58,362,568, C>T on the plus strand (G>A on the coding strand, the complement: RNF43 is on the minus strand). VCF-style: chr17-58362568-C-T. GRCh37 (hg19) VCF-style: chr17-56439929-C-T.
Other names: c.282G>A, p.Arg94= (NM_001305545.2); c.663G>A, p.Arg221= (NM_001305544.3); c.663G>A (NM_017763.4).
Identifiers: ClinVar variation 1563945 (VCV001563945.10), dbSNP rs1972859793, ClinGen allele CA501056401.